The following is an entry in ClinVar:

ClinVar aggregate classification (germline): Uncertain significance (1 of 4 stars; one submission).

Conditions:
Autosomal recessive limb-girdle muscular dystrophy type 2A (LGMDR1). Also called: LEYDEN-MOEBIUS MUSCULAR DYSTROPHY; MUSCULAR DYSTROPHY, PELVOFEMORAL; Muscular dystrophy, limb-girdle, type 2A, Amish; Limb-girdle muscular dystrophy, type 2A; Calpainopathy. Identifiers: Orphanet 267, MedGen C1869123, MONDO:0009675, OMIM 253600. Disease mechanism: loss of function.

Submission:

Labcorp Genetics (formerly Invitae), Labcorp
Classification: Uncertain significance for Autosomal recessive limb-girdle muscular dystrophy type 2A. Last evaluated: 2025-10-02. Review status: criteria provided, single submitter. Criteria: Invitae Variant Classification Sherloc (09022015). Collection method: clinical testing. Allele origin: germline.
Comment: This sequence change replaces isoleucine, which is neutral and non-polar, with asparagine, which is neutral and polar, at codon 112 of the CAPN3 protein (p.Ile112Asn). This variant is not present in population databases (gnomAD no frequency). This variant has not been reported in the literature in individuals affected with CAPN3-related conditions. Invitae Evidence Modeling of protein sequence and biophysical properties (such as structural, functional, and spatial information, amino acid conservation, physicochemical variation, residue mobility, and thermodynamic stability) indicates that this missense variant is expected to disrupt CAPN3 protein function with a positive predictive value of 80%. In summary, the available evidence is currently insufficient to determine the role of this variant in disease. Therefore, it has been classified as a Variant of Uncertain Significance.

NM_000070.3(CAPN3):c.335T>A (p.Ile112Asn)

Gene: CAPN3 (calpain 3; plus strand). Cytogenetic location: 15q15.1.
Variant type: single nucleotide variant.
Coding change: c.335T>A on transcript NM_000070.3 (MANE Select); coding-DNA position 335, T replaced by A.
Protein change: p.Ile112Asn; replaces isoleucine 112 with asparagine.
Molecular consequence: missense variant.
Genome position (GRCh38, 1-based): chr15:42,384,508, T>A. VCF-style: chr15-42384508-T-A. GRCh37 (hg19) VCF-style: chr15-42676706-T-A.
Other names: c.335T>A, p.Ile112Asn (NM_024344.2, NM_173087.2); short protein forms I112N.
Identifiers: ClinVar variation 4776831 (VCV004776831.1).